The following is an entry in ClinVar:

ClinVar aggregate classification (germline): Uncertain significance. Review status: criteria provided, multiple submitters, no conflicts (2 of 4 stars). 2 submissions from 2 submitters: Uncertain significance (2). Last evaluated 2023-12-19.

Conditions:
Chondrosarcoma. Also called: Chondrosarcoma, somatic. Identifiers: Orphanet 55880, MedGen C0008479, MONDO:0008977, OMIM 215300, HP:0006765.
Multiple congenital exostosis (EXT). Also called: Hereditary multiple osteochondromas; Hereditary multiple exostoses; Hereditary multiple exostosis; Multiple osteochondromas; Multiple exostoses; MULTIPLE CARTILAGINOUS EXOSTOSES. Identifiers: Orphanet 321, MedGen C0015306, MONDO:0005508, HP:0002762.

Allele frequency attached by ClinVar (database versions not stated): ExAC 0.00001; gnomAD 0.00001.
gnomAD v4.1: 8 of 1,613,982 alleles (0.0005%); highest among the groups gnomAD compares: African/African-American, 0.0013%; no homozygotes.

Submissions (2):

Labcorp Genetics (formerly Invitae), Labcorp
Classification: Uncertain significance for Multiple congenital exostosis. Last evaluated: 2023-12-19. Review status: criteria provided, single submitter. Criteria: Invitae Variant Classification Sherloc (09022015). Collection method: clinical testing. Allele origin: germline.
Comment: This sequence change replaces serine, which is neutral and polar, with cysteine, which is neutral and slightly polar, at codon 197 of the EXT1 protein (p.Ser197Cys). This variant is present in population databases (rs776678803, gnomAD 0.0009%). This variant has not been reported in the literature in individuals affected with EXT1-related conditions. ClinVar contains an entry for this variant (Variation ID: 1429734). Advanced modeling of protein sequence and biophysical properties (such as structural, functional, and spatial information, amino acid conservation, physicochemical variation, residue mobility, and thermodynamic stability) performed at Invitae indicates that this missense variant is expected to disrupt EXT1 protein function with a positive predictive value of 80%. In summary, the available evidence is currently insufficient to determine the role of this variant in disease. Therefore, it has been classified as a Variant of Uncertain Significance.

Baylor Genetics
Classification: Uncertain significance for Chondrosarcoma. Last evaluated: 2023-06-04. Review status: criteria provided, single submitter. Criteria: ACMG Guidelines, 2015. Collection method: clinical testing. Allele origin: unknown.

NM_000127.3(EXT1):c.590C>G (p.Ser197Cys)

Gene: EXT1 (exostosin glycosyltransferase 1; minus strand). Cytogenetic location: 8q24.11.
Variant type: single nucleotide variant.
Coding change: c.590C>G on transcript NM_000127.3 (MANE Select); coding-DNA position 590, C replaced by G.
Protein change: p.Ser197Cys; replaces serine 197 with cysteine.
Molecular consequence: missense variant.
Genome position (GRCh38, 1-based): chr8:118,110,457, G>C on the plus strand (C>G on the coding strand, the complement: EXT1 is on the minus strand). VCF-style: chr8-118110457-G-C. GRCh37 (hg19) VCF-style: chr8-119122696-G-C.
Other names: short protein forms S197C.
Identifiers: ClinVar variation 1429734 (VCV001429734.9), dbSNP rs776678803, ClinGen allele CA4854341.